The following is an entry in ClinVar:

NM_020812.4(DOCK6):c.3566G>A (p.Arg1189Gln)

Genes: DOCK6 (dedicator of cytokinesis 6; minus strand), DOCK6-AS1 (DOCK6 antisense RNA 1; plus strand). Cytogenetic location: 19p13.2.
Variant type: single nucleotide variant.
Coding change: c.3566G>A on transcript NM_020812.4 (MANE Select); coding-DNA position 3566, G replaced by A.
Protein change: p.Arg1189Gln; replaces arginine 1189 with glutamine.
Molecular consequence: missense variant.
Genome position (GRCh38, 1-based): chr19:11,217,376, C>T on the plus strand (G>A on the coding strand, the complement: DOCK6 is on the minus strand). VCF-style: chr19-11217376-C-T. GRCh37 (hg19) VCF-style: chr19-11328052-C-T.
Other names: c.3671G>A, p.Arg1224Gln (NM_001367830.1); c.3566G>A (NM_020812.2); short protein forms R1224Q, R1189Q.
Identifiers: ClinVar variation 813611 (VCV000813611.5), dbSNP rs564554926, ClinGen allele CA9207199.

ClinVar aggregate classification (germline): Conflicting classifications of pathogenicity. Review status: criteria provided, conflicting classifications (1 of 4 stars). 3 submissions from 3 submitters: Uncertain significance (1); Likely benign (1). 1 of the submissions does not count toward it. Last evaluated 2025-04-25.

Conditions:
Inborn genetic diseases. Identifiers: MedGen C0950123, MeSH D030342.
Microcephaly. Also called: Microcephaly (disease). Identifiers: MedGen C4551563, MONDO:0001149, HP:0000252.

Allele frequency attached by ClinVar (database versions not stated): gnomAD exomes 0.00009; TOPMed 0.00009; gnomAD 0.00008; ExAC 0.00011; 1000 Genomes Project 0.00020; 1000 Genomes Project 30x 0.00016.
gnomAD v4.1: 73 of 1,613,136 alleles (0.0045%); highest among the groups gnomAD compares: East Asian, 0.027%; no homozygotes.

Submissions (3):

Ambry Genetics
Classification: Likely benign for Inborn genetic diseases. Last evaluated: 2025-04-25. Review status: criteria provided, single submitter. Criteria: Ambry Variant Classification Scheme 2023. Collection method: clinical testing. Allele origin: germline.

Labcorp Genetics (formerly Invitae), Labcorp
Classification: Uncertain significance. Last evaluated: 2022-02-08. Review status: criteria provided, single submitter. Criteria: Invitae Variant Classification Sherloc (09022015). Collection method: clinical testing. Allele origin: germline.
Comment: This sequence change replaces arginine, which is basic and polar, with glutamine, which is neutral and polar, at codon 1189 of the DOCK6 protein (p.Arg1189Gln). This variant is present in population databases (rs564554926, gnomAD 0.05%). This variant has not been reported in the literature in individuals affected with DOCK6-related conditions. ClinVar contains an entry for this variant (Variation ID: 813611). Algorithms developed to predict the effect of missense changes on protein structure and function (SIFT, PolyPhen-2, Align-GVGD) all suggest that this variant is likely to be tolerated. In summary, the available evidence is currently insufficient to determine the role of this variant in disease. Therefore, it has been classified as a Variant of Uncertain Significance.

Department of Pediatrics, Samsung Medical Center, Samsung Medical Center
Classification: Uncertain significance for Microcephaly. Review status: no assertion criteria provided. Criteria: ACMG Guidelines, 2015. Collection method: research. Allele origin: germline. Affected: yes. Not counted in ClinVar's aggregate classification.